The following is an entry in ClinVar:

NM_021999.5(ITM2B):c.247C>T (p.Pro83Ser)

Gene: ITM2B (integral membrane protein 2B; plus strand). Cytogenetic location: 13q14.2.
Variant type: single nucleotide variant.
Coding change: c.247C>T on transcript NM_021999.5 (MANE Select); coding-DNA position 247, C replaced by T.
Protein change: p.Pro83Ser; replaces proline 83 with serine.
Molecular consequence: missense variant.
Genome position (GRCh38, 1-based): chr13:48,256,177, C>T. VCF-style: chr13-48256177-C-T. GRCh37 (hg19) VCF-style: chr13-48830313-C-T.
Other names: c.247C>T (NM_021999.4); short protein forms P83S.
Identifiers: ClinVar variation 1382362 (VCV001382362.9), dbSNP rs201982776, ClinGen allele CA6978743.
Genomic context (GRCh38, chr13:48,256,177, plus strand): 5'-GCTTATTTAAAAACCTGTCTCATGCTGAATTGCTGAAATGAGTCTTTAAACTCTCTATAG[C>T]CAGATGACGTGTACTACTGTGGAATAAAGTACATCAAAGATGATGTCATCTTAAATGAGC-3'
Protein context (NP_068839.1, residues 73-93): AYLYKYFALQ[Pro83Ser]DDVYYCGIKY

ClinVar aggregate classification (germline): Uncertain significance. Review status: criteria provided, multiple submitters, no conflicts (2 of 4 stars). 3 submissions from 3 submitters: Uncertain significance (3). Last evaluated 2025-07-28.

Conditions:
Inborn genetic diseases. Identifiers: MedGen C0950123, MeSH D030342.

Allele frequency attached by ClinVar (database versions not stated): ExAC 0.00005; gnomAD exomes 0.00008; 1000 Genomes Project 0.00020; 1000 Genomes Project 30x 0.00016.

Submissions (3):

Dasa
Classification: Uncertain significance. Last evaluated: 2025-07-28. Review status: criteria provided, single submitter. Criteria: DASA Assertion Criteria. Collection method: clinical testing. Allele origin: germline.
Comment: NM_021999.5(ITM2B):c.247C>T (p.Pro83Ser) is a missense variant that results in the substitution of proline with serine. This variant is rare in population databases. The currently available literature and clinical evidence are not sufficient to establish a definitive association between this variant and the reported condition. Therefore, this variant is classified as a variant of uncertain significance.

Ambry Genetics
Classification: Uncertain significance for Inborn genetic diseases. Last evaluated: 2025-07-04. Review status: criteria provided, single submitter. Criteria: Ambry Variant Classification Scheme 2023. Collection method: clinical testing. Allele origin: germline.

Labcorp Genetics (formerly Invitae), Labcorp
Classification: Uncertain significance. Last evaluated: 2024-04-14. Review status: criteria provided, single submitter. Criteria: Invitae Variant Classification Sherloc (09022015). Collection method: clinical testing. Allele origin: germline.
Comment: This sequence change replaces proline, which is neutral and non-polar, with serine, which is neutral and polar, at codon 83 of the ITM2B protein (p.Pro83Ser). This variant is present in population databases (rs201982776, gnomAD 0.009%). This variant has not been reported in the literature in individuals affected with ITM2B-related conditions. ClinVar contains an entry for this variant (Variation ID: 1382362). An algorithm developed to predict the effect of missense changes on protein structure and function (PolyPhen-2) suggests that this variant is likely to be tolerated. In summary, the available evidence is currently insufficient to determine the role of this variant in disease. Therefore, it has been classified as a Variant of Uncertain Significance.